The following is an entry in ClinVar:

ClinVar aggregate classification (germline): Uncertain significance. Review status: criteria provided, multiple submitters, no conflicts (2 of 4 stars). 6 submissions from 5 submitters: Uncertain significance (6). Last evaluated 2025-07-28.

Conditions:
Usher syndrome type 2A. Also called: RETINAL DISEASE IN USHER SYNDROME TYPE IIA, MODIFIER OF; USHER SYNDROME, TYPE IIA. Identifiers: Orphanet 231178, Orphanet 886, MedGen C1848634, MONDO:0010169, OMIM 276901.
Retinitis pigmentosa 39 (RP39). Identifiers: Orphanet 791, MedGen C3151138, MONDO:0013436, OMIM 613809.

Allele frequency attached by ClinVar (database versions not stated): TOPMed below 0.00001.

Submissions (6):

Labcorp Genetics (formerly Invitae), Labcorp
Classification: Uncertain significance. Last evaluated: 2025-07-28. Review status: criteria provided, single submitter. Criteria: Invitae Variant Classification Sherloc (09022015). Collection method: clinical testing. Allele origin: germline.
Comment: This sequence change replaces valine, which is neutral and non-polar, with leucine, which is neutral and non-polar, at codon 200 of the USH2A protein (p.Val200Leu). This variant is not present in population databases (gnomAD no frequency). This variant has not been reported in the literature in individuals affected with USH2A-related conditions. ClinVar contains an entry for this variant (Variation ID: 940065). Invitae Evidence Modeling of protein sequence and biophysical properties (such as structural, functional, and spatial information, amino acid conservation, physicochemical variation, residue mobility, and thermodynamic stability) indicates that this missense variant is not expected to disrupt USH2A protein function with a negative predictive value of 95%. In summary, the available evidence is currently insufficient to determine the role of this variant in disease. Therefore, it has been classified as a Variant of Uncertain Significance.

GeneDx
Classification: Uncertain significance. Last evaluated: 2025-05-23. Review status: criteria provided, single submitter. Criteria: GeneDx Variant Classification Process June 2021. Collection method: clinical testing. Allele origin: germline. Affected: yes.
Comment: Not observed at significant frequency in large population cohorts (gnomAD); In silico analysis suggests that this missense variant does not alter protein structure/function; Has not been previously published as pathogenic or benign to our knowledge

Genome-Nilou Lab
Classification: Uncertain significance for Retinitis pigmentosa 39. Last evaluated: 2023-11-04. Review status: criteria provided, single submitter. Criteria: ACMG Guidelines, 2015. Collection method: clinical testing. Allele origin: germline. Affected: no.

Genome-Nilou Lab
Classification: Uncertain significance for Usher syndrome type 2A. Last evaluated: 2023-11-04. Review status: criteria provided, single submitter. Criteria: ACMG Guidelines, 2015. Collection method: clinical testing. Allele origin: germline. Affected: no.

Blueprint Genetics
Classification: Uncertain significance. Last evaluated: 2019-09-10. Review status: criteria provided, single submitter. Criteria: ACMG Guidelines, 2015. Collection method: clinical testing. Allele origin: germline.

Juno Genomics, Hangzhou Juno Genomics, Inc
Classification: Uncertain significance for Usher syndrome type 2A; Retinitis pigmentosa 39. Review status: criteria provided, single submitter. Criteria: ACMG Guidelines, 2015. Collection method: clinical testing. Allele origin: germline. Affected: yes.
Comment: Absent from controls (or at extremely low frequency if recessive) in Genome Aggregation Database, Exome Sequencing Project, 1000 Genomes Project, or Exome Aggregation Consortium.

NM_206933.4(USH2A):c.598G>C (p.Val200Leu)

Gene: USH2A (usherin; minus strand). Cytogenetic location: 1q41.
Variant type: single nucleotide variant.
Coding change: c.598G>C on transcript NM_206933.4 (MANE Select); coding-DNA position 598, G replaced by C.
Protein change: p.Val200Leu; replaces valine 200 with leucine.
Molecular consequence: missense variant.
Genome position (GRCh38, 1-based): chr1:216,418,567, C>G on the plus strand (G>C on the coding strand, the complement: USH2A is on the minus strand). VCF-style: chr1-216418567-C-G. GRCh37 (hg19) VCF-style: chr1-216591909-C-G.
Other names: c.598G>C, p.Val200Leu (NM_007123.6); short protein forms V200L.
Identifiers: ClinVar variation 940065 (VCV000940065.14), dbSNP rs781022362, ClinGen allele CA344902380.